The following is an entry in ClinVar:

ClinVar aggregate classification (germline): Uncertain significance (1 of 4 stars; one submission).

Conditions:
Hereditary cancer-predisposing syndrome. Also called: Neoplastic Syndromes, Hereditary; Tumor predisposition; Hereditary neoplastic syndrome; Hereditary Cancer Syndrome. Identifiers: Orphanet 140162, MedGen C0027672, MeSH D009386, MONDO:0015356.

Submission:

Ambry Genetics
Classification: Uncertain significance for Hereditary cancer-predisposing syndrome. Last evaluated: 2023-09-01. Review status: criteria provided, single submitter. Criteria: Ambry Variant Classification Scheme 2023. Collection method: clinical testing. Allele origin: germline.
Comment: The p.P916S variant (also known as c.2746C>T), located in coding exon 24 of the POLE gene, results from a C to T substitution at nucleotide position 2746. The proline at codon 916 is replaced by serine, an amino acid with similar properties. This amino acid position is conserved. In addition, this alteration is predicted to be tolerated by in silico analysis. Since supporting evidence is limited at this time, the clinical significance of this alteration remains unclear.

NM_006231.4(POLE):c.2746C>T (p.Pro916Ser)

Gene: POLE (DNA polymerase epsilon, catalytic subunit; minus strand). Cytogenetic location: 12q24.33.
Variant type: single nucleotide variant.
Coding change: c.2746C>T on transcript NM_006231.4 (MANE Select); coding-DNA position 2746, C replaced by T.
Protein change: p.Pro916Ser; replaces proline 916 with serine.
Molecular consequence: missense variant.
Genome position (GRCh38, 1-based): chr12:132,661,645, G>A on the plus strand (C>T on the coding strand, the complement: POLE is on the minus strand). VCF-style: chr12-132661645-G-A. GRCh37 (hg19) VCF-style: chr12-133238231-G-A.
Other names: short protein forms P916S.
Identifiers: ClinVar variation 3225425 (VCV003225425.1), dbSNP rs2135949314, ClinGen allele CA387393935.